The following is an entry in ClinVar:

NM_000038.6(APC):c.1100C>G (p.Ser367Cys)

Gene: APC (APC regulator of Wnt signaling pathway; plus strand). Cytogenetic location: 5q22.2.
Variant type: single nucleotide variant.
Coding change: c.1100C>G on transcript NM_000038.6 (MANE Select); coding-DNA position 1100, C replaced by G.
Protein change: p.Ser367Cys; replaces serine 367 with cysteine.
Molecular consequence: missense variant. On other transcripts: intron variant (4).
Genome position (GRCh38, 1-based): chr5:112,819,132, C>G. VCF-style: chr5-112819132-C-G. GRCh37 (hg19) VCF-style: chr5-112154829-C-G.
Other names: c.1100C>G, p.Ser367Cys (NM_001127510.3, NM_001354895.2, NM_001354896.2); c.1046C>G, p.Ser349Cys (NM_001127511.3); c.1130C>G, p.Ser377Cys (NM_001354897.2); c.1025C>G, p.Ser342Cys (NM_001354898.2); c.1016C>G, p.Ser339Cys (NM_001354899.2); c.923C>G, p.Ser308Cys (NM_001354900.2, NM_001354901.2); c.251C>G, p.Ser84Cys (NM_001354906.2); c.964-137C>G (NM_001354902.2); and 3 more; short protein forms S349C, S367C, S339C, S342C, S308C, S377C, S84C.
Identifiers: ClinVar variation 495350 (VCV000495350.4), dbSNP rs1554080012, ClinGen allele CA16023724.

ClinVar aggregate classification (germline): Uncertain significance. Review status: criteria provided, multiple submitters, no conflicts (2 of 4 stars). 3 submissions from 3 submitters: Uncertain significance (3). Last evaluated 2024-04-25.

Conditions:
Classic or attenuated familial adenomatous polyposis. Identifiers: MedGen CN372698, MONDO:0021057.
Hereditary cancer-predisposing syndrome. Also called: Hereditary neoplastic syndrome; Tumor predisposition; Hereditary Cancer Syndrome; Neoplastic Syndromes, Hereditary. Identifiers: Orphanet 140162, MedGen C0027672, MeSH D009386, MONDO:0015356.

Allele frequency attached by ClinVar (database versions not stated): gnomAD exomes below 0.00001.
gnomAD v4.1: 1 of 1,614,074 alleles (0.000062%); highest among the groups gnomAD compares: Non-Finnish European, 0.000085%; no homozygotes.

Submissions (3):

All of Us Research Program, National Institutes of Health
Classification: Uncertain significance for Classic or attenuated familial adenomatous polyposis. Last evaluated: 2024-04-25. Review status: criteria provided, single submitter. Criteria: ACMG Guidelines, 2015. Collection method: clinical testing. Allele origin: germline. Inheritance: Autosomal dominant inheritance. Observed: 1 variant allele, 1 heterozygote.
Comment: This missense variant replaces serine with cysteine at codon 367 of the APC protein. Computational prediction is inconclusive regarding the impact of this variant on protein structure and function (internally defined REVEL score threshold 0.5 < inconclusive < 0.7, PMID: 27666373). To our knowledge, functional studies have not been reported for this variant. This variant has not been reported in individuals affected with APC-related disorders in the literature. This variant has not been identified in the general population by the Genome Aggregation Database (gnomAD). The available evidence is insufficient to determine the role of this variant in disease conclusively. Therefore, this variant is classified as a Variant of Uncertain Significance.

This study involves interpretation of variants in research participants for the purpose of population health screening. Participant phenotype was not available at the time of variant classification. Additional details can be found in publication PMID: 35346344, PMCID: PMC8962531

Ambry Genetics
Classification: Uncertain significance for Hereditary cancer-predisposing syndrome. Last evaluated: 2023-12-15. Review status: criteria provided, single submitter. Criteria: Ambry Variant Classification Scheme 2023. Collection method: clinical testing. Allele origin: germline.
Comment: The p.S367C variant (also known as c.1100C>G), located in coding exon 9 of the APC gene, results from a C to G substitution at nucleotide position 1100. The serine at codon 367 is replaced by cysteine, an amino acid with dissimilar properties. This amino acid position is highly conserved in available vertebrate species. In addition, in silico predictors for this gene do not accurately predict pathogenicity. Since supporting evidence is limited at this time, the clinical significance of this alteration remains unclear.

Women's Health and Genetics/Laboratory Corporation of America, LabCorp
Classification: Uncertain significance. Last evaluated: 2015-09-25. Review status: criteria provided, single submitter. Criteria: LabCorp Variant Classification Summary - May 2015. Collection method: clinical testing. Allele origin: germline.